The following is an entry in ClinVar:

NM_004260.4(RECQL4):c.386C>G (p.Pro129Arg)

Gene: RECQL4 (RecQ like helicase 4; minus strand). Cytogenetic location: 8q24.3.
Variant type: single nucleotide variant.
Coding change: c.386C>G on transcript NM_004260.4 (MANE Select); coding-DNA position 386, C replaced by G.
Protein change: p.Pro129Arg; replaces proline 129 with arginine.
Molecular consequence: missense variant.
Genome position (GRCh38, 1-based): chr8:144,516,733, G>C on the plus strand (C>G on the coding strand, the complement: RECQL4 is on the minus strand). VCF-style: chr8-144516733-G-C. GRCh37 (hg19) VCF-style: chr8-145742117-G-C.
Other names: c.386C>G (NM_004260.3); c.386C>G, p.Pro129Arg (NM_001413017.1, NM_001413018.1, NM_001413019.1 and 4 more transcripts); c.-686C>G (NM_001413022.1, NM_001413023.1, NM_001413037.1 and 3 more transcripts); c.257C>G, p.Pro86Arg (NM_001413025.1); c.-748C>G (NM_001413027.1, NM_001413030.1, NM_001413031.1 and 1 more transcripts); c.-411C>G (NM_001413028.1); c.-590C>G (NM_001413034.1); c.-955C>G (NM_001413043.1); short protein forms P129R, P86R.
Identifiers: ClinVar variation 2184126 (VCV002184126.5), dbSNP rs370624395, ClinGen allele CA372691668.

ClinVar aggregate classification (germline): Uncertain significance. Review status: criteria provided, multiple submitters, no conflicts (2 of 4 stars). 2 submissions from 2 submitters: Uncertain significance (2). Last evaluated 2024-12-08.

Conditions:
Baller-Gerold syndrome (BGS). Also called: CRANIOSYNOSTOSIS WITH RADIAL DEFECTS. Identifiers: Orphanet 1225, MedGen C0265308, MONDO:0009039, OMIM 218600.
Inborn genetic diseases. Identifiers: MedGen C0950123, MeSH D030342.

gnomAD v4.1: 1 of 1,532,426 alleles (0.000065%); highest among the groups gnomAD compares: Middle Eastern, 0.018%; no homozygotes.

Submissions (2):

Ambry Genetics
Classification: Uncertain significance for Inborn genetic diseases. Last evaluated: 2024-12-08. Review status: criteria provided, single submitter. Criteria: Ambry Variant Classification Scheme 2023. Collection method: clinical testing. Allele origin: germline.
Comment: The p.P129R variant (also known as c.386C>G), located in coding exon 5 of the RECQL4 gene, results from a C to G substitution at nucleotide position 386. The proline at codon 129 is replaced by arginine, an amino acid with dissimilar properties. This amino acid position is conserved. In addition, this alteration is predicted to be tolerated by in silico analysis. Based on the available evidence, the clinical significance of this variant remains unclear.

Labcorp Genetics (formerly Invitae), Labcorp
Classification: Uncertain significance for Baller-Gerold syndrome. Last evaluated: 2022-08-26. Review status: criteria provided, single submitter. Criteria: Invitae Variant Classification Sherloc (09022015). Collection method: clinical testing. Allele origin: germline.
Comment: In summary, the available evidence is currently insufficient to determine the role of this variant in disease. Therefore, it has been classified as a Variant of Uncertain Significance. Experimental studies and prediction algorithms are not available or were not evaluated, and the functional significance of this variant is currently unknown. This variant has not been reported in the literature in individuals affected with RECQL4-related conditions. This variant is not present in population databases (gnomAD no frequency). This sequence change replaces proline, which is neutral and non-polar, with arginine, which is basic and polar, at codon 129 of the RECQL4 protein (p.Pro129Arg).